The following is an entry in ClinVar:

NM_001005242.3(PKP2):c.2461A>G (p.Thr821Ala)

Gene: PKP2 (plakophilin 2; minus strand). Cytogenetic location: 12p11.21.
Variant type: single nucleotide variant.
Coding change: c.2461A>G on transcript NM_001005242.3 (MANE Select); coding-DNA position 2461, A replaced by G.
Protein change: p.Thr821Ala; replaces threonine 821 with alanine.
Molecular consequence: missense variant. On other transcripts: synonymous variant (2).
Genome position (GRCh38, 1-based): chr12:32,792,477, T>C on the plus strand (A>G on the coding strand, the complement: PKP2 is on the minus strand). VCF-style: chr12-32792477-T-C. GRCh37 (hg19) VCF-style: chr12-32945411-T-C.
Other names: c.2271A>G, p.Arg757= (NM_001407155.1); c.2296A>G, p.Thr766Ala (NM_001407156.1); c.2134A>G, p.Thr712Ala (NM_001407158.1, NM_001407159.1); c.1944A>G, p.Arg648= (NM_001407160.1); c.2593A>G, p.Thr865Ala (NM_004572.4); short protein forms T821A, T712A, T865A, T766A.
Identifiers: ClinVar variation 2774073 (VCV002774073.6), dbSNP rs758045048, ClinGen allele CA036208.

ClinVar aggregate classification (germline): Uncertain significance. Review status: criteria provided, multiple submitters, no conflicts (2 of 4 stars). 3 submissions from 3 submitters: Uncertain significance (3). Last evaluated 2025-01-11.

Conditions:
Arrhythmogenic right ventricular dysplasia 9 (ARVD9). Also called: ARRHYTHMOGENIC RIGHT VENTRICULAR DYSPLASIA, FAMILIAL, 9; Arrhythmogenic Right Ventricular Dysplasia/Cardiomyopathy 9. Identifiers: MedGen C1836906, MONDO:0012180, OMIM 609040.
Cardiomyopathy (CMYO). Also called: Cardiomyopathies. Identifiers: Orphanet 167848, MedGen C0878544, MONDO:0004994, HP:0001638. Inheritance: Various modes of inheritance.
Arrhythmogenic right ventricular cardiomyopathy (ARVD). Also called: Arrhythmogenic right ventricular dysplasia; Cardiomyopathy, ARVC; Arrhythmogenic cardiomyopathy; Arrhythmogenic Right Ventricular Cardiomyopathy (ARVC). Identifiers: Orphanet 247, MedGen C0349788, MeSH D019571, MONDO:0016587. Disease mechanism: loss of function. Inheritance: Various modes of inheritance.

Allele frequency attached by ClinVar (database versions not stated): gnomAD exomes below 0.00001; TOPMed below 0.00001; ExAC 0.00001.
gnomAD v4.1: 1 of 1,613,884 alleles (0.000062%); highest among the groups gnomAD compares: Admixed American, 0.0017%; no homozygotes.

Submissions (3):

Labcorp Genetics (formerly Invitae), Labcorp
Classification: Uncertain significance for Arrhythmogenic right ventricular dysplasia 9. Last evaluated: 2025-01-11. Review status: criteria provided, single submitter. Criteria: Invitae Variant Classification Sherloc (09022015). Collection method: clinical testing. Allele origin: germline.
Comment: This sequence change replaces threonine, which is neutral and polar, with alanine, which is neutral and non-polar, at codon 865 of the PKP2 protein (p.Thr865Ala). This variant is present in population databases (rs758045048, gnomAD 0.003%). This variant has not been reported in the literature in individuals affected with PKP2-related conditions. ClinVar contains an entry for this variant (Variation ID: 2774073). An algorithm developed to predict the effect of missense changes on protein structure and function (PolyPhen-2) suggests that this variant is likely to be tolerated. In summary, the available evidence is currently insufficient to determine the role of this variant in disease. Therefore, it has been classified as a Variant of Uncertain Significance.

Color Diagnostics, LLC DBA Color Health
Classification: Uncertain significance for Cardiomyopathy. Last evaluated: 2024-03-06. Review status: criteria provided, single submitter. Criteria: ACMG Guidelines, 2015. Collection method: clinical testing. Allele origin: germline.
Comment: This missense variant replaces threonine with alanine at codon 865 of the PKP2 protein. Computational prediction suggests that this variant may not impact protein structure and function (internally defined REVEL score threshold <= 0.5, PMID: 27666373). To our knowledge, functional studies have not been reported for this variant. This variant has not been reported in individuals affected with cardiovascular disorders in the literature. This variant has been identified in 2/251448 chromosomes in the general population by the Genome Aggregation Database (gnomAD). The available evidence is insufficient to determine the role of this variant in disease conclusively. Therefore, this variant is classified as a Variant of Uncertain Significance.

All of Us Research Program, National Institutes of Health
Classification: Uncertain significance for Arrhythmogenic right ventricular cardiomyopathy. Last evaluated: 2023-11-30. Review status: criteria provided, single submitter. Criteria: ACMG Guidelines, 2015. Collection method: clinical testing. Allele origin: germline. Inheritance: Autosomal dominant inheritance. Observed: 1 variant allele, 1 heterozygote.
Comment: This missense variant replaces threonine with alanine at codon 865 of the PKP2 protein. Computational prediction suggests that this variant may not impact protein structure and function (internally defined REVEL score threshold <= 0.5, PMID: 27666373). To our knowledge, functional studies have not been reported for this variant. This variant has not been reported in individuals affected with cardiovascular disorders in the literature. This variant has been identified in 2/251448 chromosomes in the general population by the Genome Aggregation Database (gnomAD). The available evidence is insufficient to determine the role of this variant in disease conclusively. Therefore, this variant is classified as a Variant of Uncertain Significance.

This study involves interpretation of variants in research participants for the purpose of population health screening. Participant phenotype was not available at the time of variant classification. Additional details can be found in publication PMID: 35346344, PMCID: PMC8962531